The following is an entry in ClinVar:

NM_004526.4(MCM2):c.236+4A>G

Gene: MCM2 (minichromosome maintenance complex component 2; plus strand). Cytogenetic location: 3q21.3.
Variant type: single nucleotide variant.
Coding change: c.236+4A>G on transcript NM_004526.4 (MANE Select); 4 bases into the intron after coding-DNA position 236, A replaced by G.
Molecular consequence: intron variant.
Genome position (GRCh38, 1-based): chr3:127,599,551, A>G. VCF-style: chr3-127599551-A-G. GRCh37 (hg19) VCF-style: chr3-127318394-A-G.
Identifiers: ClinVar variation 4777441 (VCV004777441.1).

ClinVar aggregate classification (germline): Uncertain significance (1 of 4 stars; one submission).

gnomAD v4.1: 7 of 1,611,040 alleles (0.00043%); highest among the groups gnomAD compares: South Asian, 0.0066%; no homozygotes.

Submission:

Labcorp Genetics (formerly Invitae), Labcorp
Classification: Uncertain significance. Last evaluated: 2025-03-31. Review status: criteria provided, single submitter. Criteria: Invitae Variant Classification Sherloc (09022015). Collection method: clinical testing. Allele origin: germline.
Comment: This sequence change falls in intron 2 of the MCM2 gene. It does not directly change the encoded amino acid sequence of the MCM2 protein. It affects a nucleotide within the consensus splice site. This variant is not present in population databases (gnomAD no frequency). This variant has not been reported in the literature in individuals affected with MCM2-related conditions. Variants that disrupt the consensus splice site are a relatively common cause of aberrant splicing (PMID: 17576681, 9536098). Algorithms developed to predict the effect of sequence changes on RNA splicing suggest that this variant is not likely to affect RNA splicing. In summary, the available evidence is currently insufficient to determine the role of this variant in disease. Therefore, it has been classified as a Variant of Uncertain Significance.

Literature cited by the submitters: PubMed 17576681; PubMed 9536098.